The following is an entry in ClinVar:

ClinVar aggregate classification (germline): Benign. Review status: criteria provided, single submitter (1 of 4 stars). 2 submissions from 1 submitter: Benign (2). Last evaluated 2018-01-13.

Conditions:
Brain small vessel disease 1 with or without ocular anomalies (BSVD1). Also called: GOULD SYNDROME 1; PORENCEPHALY, TYPE 1, AUTOSOMAL DOMINANT; BRAIN SMALL VESSEL DISEASE WITH HEMORRHAGE; Brain small vessel disease with or without ocular anomalies. Identifiers: Orphanet 2940, Orphanet 36383, Orphanet 99810, MedGen C4755307, MONDO:0008289, OMIM 175780.
Autosomal dominant familial hematuria-retinal arteriolar tortuosity-contractures syndrome. Also called: Hereditary Angiopathy with Nephropathy, Aneurysms, and Muscle Cramps (HANAC) Syndrome; Angiopathy, hereditary, with nephropathy, aneurysms, and muscle cramps. Identifiers: Orphanet 73229, MedGen C2673195, MONDO:0012726, OMIM 611773.

Allele frequency attached by ClinVar (database versions not stated): gnomAD 0.00003 and 0.00007; TOPMed 0.00004; 1000 Genomes Project 30x 0.00047; 1000 Genomes Project 0.00060.
gnomAD v4.1: 11 of 152,778 alleles (0.0072%); highest among the groups gnomAD compares: East Asian, 0.21%; no homozygotes.

Submissions (2):

Illumina Laboratory Services, Illumina
Classification: Benign for Brain small vessel disease 1 with or without ocular anomalies. Last evaluated: 2018-01-13. Review status: criteria provided, single submitter. Criteria: ICSL Variant Classification Criteria 13 December 2019. Collection method: clinical testing. Allele origin: germline.
Comment: This variant was observed in the ICSL laboratory as part of a predisposition screen in an ostensibly healthy population. It had not been previously curated by ICSL or reported in the Human Gene Mutation Database (HGMD: prior to June 1st, 2018), and was therefore a candidate for classification through an automated scoring system. Utilizing variant allele frequency, disease prevalence and penetrance estimates, and inheritance mode, an automated score was calculated to assess if this variant is too frequent to cause the disease. Based on the score and internal cut-off values, a variant classified as benign is not then subjected to further curation. The score for this variant resulted in a classification of benign for this disease.

Illumina Laboratory Services, Illumina
Classification: Benign for Autosomal dominant familial hematuria-retinal arteriolar tortuosity-contractures syndrome. Last evaluated: 2018-01-13. Review status: criteria provided, single submitter. Criteria: ICSL Variant Classification Criteria 13 December 2019. Collection method: clinical testing. Allele origin: germline.
Comment: the same text as in the submission from Illumina Laboratory Services, Illumina above.

NM_001845.6(COL4A1):c.*838T>C

Gene: COL4A1 (collagen type IV alpha 1 chain; minus strand). Cytogenetic location: 13q34.
Variant type: single nucleotide variant.
Coding change: c.*838T>C on transcript NM_001845.6 (MANE Select); 838 bases downstream of the stop codon, T replaced by C.
Molecular consequence: 3 prime UTR variant.
Genome position (GRCh38, 1-based): chr13:110,149,525, A>G on the plus strand (T>C on the coding strand, the complement: COL4A1 is on the minus strand). VCF-style: chr13-110149525-A-G. GRCh37 (hg19) VCF-style: chr13-110801872-A-G.
Identifiers: ClinVar variation 881850 (VCV000881850.6), dbSNP rs143486029, ClinGen allele CA256238181.